The following is an entry in ClinVar:

ClinVar aggregate classification (germline): Uncertain significance. Review status: criteria provided, multiple submitters, no conflicts (2 of 4 stars). 2 submissions from 2 submitters: Uncertain significance (2). Last evaluated 2024-10-22.

Allele frequency attached by ClinVar (database versions not stated): ExAC 0.00001.

Submissions (2):

Labcorp Genetics (formerly Invitae), Labcorp
Classification: Uncertain significance. Last evaluated: 2024-10-22. Review status: criteria provided, single submitter. Criteria: Invitae Variant Classification Sherloc (09022015). Collection method: clinical testing. Allele origin: germline.
Comment: This sequence change replaces asparagine, which is neutral and polar, with lysine, which is basic and polar, at codon 140 of the FCHO1 protein (p.Asn140Lys). This variant is present in population databases (rs751689463, gnomAD 0.0009%). This variant has not been reported in the literature in individuals affected with FCHO1-related conditions. ClinVar contains an entry for this variant (Variation ID: 2246892). An algorithm developed to predict the effect of missense changes on protein structure and function (PolyPhen-2) suggests that this variant is likely to be tolerated. In summary, the available evidence is currently insufficient to determine the role of this variant in disease. Therefore, it has been classified as a Variant of Uncertain Significance.

Ambry Genetics
Classification: Uncertain significance. Last evaluated: 2021-08-23. Review status: criteria provided, single submitter. Criteria: Ambry Variant Classification Scheme 2023. Collection method: clinical testing. Allele origin: germline.

NM_015122.3(FCHO1):c.420C>A (p.Asn140Lys)

Gene: FCHO1 (FCH and mu domain containing endocytic adaptor 1; plus strand). Cytogenetic location: 19p13.11.
Variant type: single nucleotide variant.
Coding change: c.420C>A on transcript NM_015122.3 (MANE Select); coding-DNA position 420, C replaced by A.
Protein change: p.Asn140Lys; replaces asparagine 140 with lysine.
Molecular consequence: missense variant. On other transcripts: non-coding transcript variant (36).
Genome position (GRCh38, 1-based): chr19:17,770,508, C>A. VCF-style: chr19-17770508-C-A. GRCh37 (hg19) VCF-style: chr19-17881317-C-A.
Other names: c.420C>A, p.Asn140Lys (NM_001384381.1, NM_001384387.1, NM_001384391.1 and 26 more transcripts); c.270C>A, p.Asn90Lys (NM_001384384.1, NM_001384385.1, NM_001384386.1 and 3 more transcripts); c.381C>A, p.Asn127Lys (NM_001384388.1, NM_001384389.1, NM_001384405.1); c.345C>A, p.Asn115Lys (NM_001384390.1); short protein forms N115K, N90K, N127K, N140K.
Identifiers: ClinVar variation 2246892 (VCV002246892.4), dbSNP rs751689463, ClinGen allele CA9300083.